The following is an entry in ClinVar:

NM_003701.4(TNFSF11):c.308C>T (p.Thr103Ile)

Genes: TNFSF11 (TNF superfamily member 11; plus strand), LOC126861752 (BRD4-independent group 4 enhancer GRCh37_chr13:43155073-43156272; plus strand). Cytogenetic location: 13q14.11.
Variant type: single nucleotide variant.
Coding change: c.308C>T on transcript NM_003701.4 (MANE Select); coding-DNA position 308, C replaced by T.
Protein change: p.Thr103Ile; replaces threonine 103 with isoleucine.
Molecular consequence: missense variant.
Genome position (GRCh38, 1-based): chr13:42,581,214, C>T. VCF-style: chr13-42581214-C-T. GRCh37 (hg19) VCF-style: chr13-43155350-C-T.
Other names: c.89C>T, p.Thr30Ile (NM_033012.4); c.308C>T (NM_003701.3); short protein forms T103I, T30I.
Identifiers: ClinVar variation 1414339 (VCV001414339.6), dbSNP rs369479969, ClinGen allele CA249050466.

ClinVar aggregate classification (germline): Uncertain significance. Review status: criteria provided, multiple submitters, no conflicts (2 of 4 stars). 2 submissions from 2 submitters: Uncertain significance (2). Last evaluated 2025-05-25.

Conditions:
Inborn genetic diseases. Identifiers: MedGen C0950123, MeSH D030342.

Allele frequency attached by ClinVar (database versions not stated): ESP Exome Variant Server 0.00008; gnomAD 0.00004; TOPMed 0.00005.
gnomAD v4.1: 12 of 1,613,958 alleles (0.00074%); highest among the groups gnomAD compares: African/African-American, 0.015%; no homozygotes.

Submissions (2):

Ambry Genetics
Classification: Uncertain significance for Inborn genetic diseases. Last evaluated: 2025-05-25. Review status: criteria provided, single submitter. Criteria: Ambry Variant Classification Scheme 2023. Collection method: clinical testing. Allele origin: germline.

Labcorp Genetics (formerly Invitae), Labcorp
Classification: Uncertain significance. Last evaluated: 2024-03-02. Review status: criteria provided, single submitter. Criteria: Invitae Variant Classification Sherloc (09022015). Collection method: clinical testing. Allele origin: germline.
Comment: This sequence change replaces threonine, which is neutral and polar, with isoleucine, which is neutral and non-polar, at codon 103 of the TNFSF11 protein (p.Thr103Ile). This variant is present in population databases (rs369479969, gnomAD 0.008%). This variant has not been reported in the literature in individuals affected with TNFSF11-related conditions. ClinVar contains an entry for this variant (Variation ID: 1414339). Advanced modeling of protein sequence and biophysical properties (such as structural, functional, and spatial information, amino acid conservation, physicochemical variation, residue mobility, and thermodynamic stability) performed at Invitae indicates that this missense variant is not expected to disrupt TNFSF11 protein function with a negative predictive value of 80%. In summary, the available evidence is currently insufficient to determine the role of this variant in disease. Therefore, it has been classified as a Variant of Uncertain Significance.